The following is an entry in ClinVar:

ClinVar aggregate classification (germline): Conflicting classifications of pathogenicity. Review status: criteria provided, conflicting classifications (1 of 4 stars). 2 submissions from 2 submitters: Uncertain significance (1); Likely benign (1). Last evaluated 2026-08-31.

Conditions:
Cardiovascular phenotype. Identifiers: MedGen CN230736.
X-linked Emery-Dreifuss muscular dystrophy. Also called: Muscular dystrophy, tardive Emery-Dreifuss type, with contractures. Identifiers: Orphanet 261, Orphanet 98863, MedGen C0751337, MONDO:0010680.

Allele frequency attached by ClinVar (database versions not stated): gnomAD exomes 0.00001; ExAC 0.00002; TOPMed 0.00002; gnomAD 0.00003.

Submissions (2):

Ambry Genetics
Classification: Likely benign for Cardiovascular phenotype. Last evaluated: 2026-08-31. Review status: criteria provided, single submitter. Criteria: Ambry Variant Classification Scheme 2023. Collection method: clinical testing. Allele origin: germline.

Labcorp Genetics (formerly Invitae), Labcorp
Classification: Uncertain significance for X-linked Emery-Dreifuss muscular dystrophy. Last evaluated: 2026-01-27. Review status: criteria provided, single submitter. Criteria: Invitae Variant Classification Sherloc (09022015). Collection method: clinical testing. Allele origin: germline.
Comment: This sequence change replaces aspartic acid, which is acidic and polar, with asparagine, which is neutral and polar, at codon 138 of the EMD protein (p.Asp138Asn). This variant is present in population databases (rs782737897, gnomAD 0.006%), including at least one homozygous and/or hemizygous individual. This variant has not been reported in the literature in individuals affected with EMD-related conditions. ClinVar contains an entry for this variant (Variation ID: 657697). Invitae Evidence Modeling of protein sequence and biophysical properties (such as structural, functional, and spatial information, amino acid conservation, physicochemical variation, residue mobility, and thermodynamic stability) indicates that this missense variant is not expected to disrupt EMD protein function with a negative predictive value of 80%. In summary, the available evidence is currently insufficient to determine the role of this variant in disease. Therefore, it has been classified as a Variant of Uncertain Significance.

NM_000117.3(EMD):c.412G>A (p.Asp138Asn)

Gene: EMD (emerin; plus strand). Cytogenetic location: Xq28.
Variant type: single nucleotide variant.
Coding change: c.412G>A on transcript NM_000117.3 (MANE Select); coding-DNA position 412, G replaced by A.
Protein change: p.Asp138Asn; replaces aspartic acid 138 with asparagine.
Molecular consequence: missense variant.
Genome position (GRCh38, 1-based): chrX:154,380,765, G>A. VCF-style: chrX-154380765-G-A. GRCh37 (hg19) VCF-style: chrX-153609125-G-A.
Other names: short protein forms D138N.
Identifiers: ClinVar variation 657697 (VCV000657697.6), dbSNP rs782737897, ClinGen allele CA10561603.
Genomic context (GRCh38, chrX:154,380,765, plus strand): 5'-CATGGTGGCCCTGCCAGCCAGTCCCCTCGCCCTGACTCTCTTCTGCAGGTGCATGATGAC[G>A]ATCTTTTGTCTTCTTCTGAAGAGGAGTGCAAGGATAGGTGCGTAGTGGGGGAGCCCAGGG-3'
Protein context (NP_000108.1, residues 128-148): DAFHHQVHDD[Asp138Asn]LLSSSEEECK